The following is an entry in ClinVar:

NM_002386.4(MC1R):c.512C>G (p.Ala171Gly)

Gene: MC1R (melanocortin 1 receptor; plus strand). Cytogenetic location: 16q24.3.
Variant type: single nucleotide variant.
Coding change: c.512C>G on transcript NM_002386.4 (MANE Select); coding-DNA position 512, C replaced by G.
Protein change: p.Ala171Gly; replaces alanine 171 with glycine.
Molecular consequence: missense variant.
Genome position (GRCh38, 1-based): chr16:89,919,770, C>G. VCF-style: chr16-89919770-C-G. GRCh37 (hg19) VCF-style: chr16-89986178-C-G.
Other names: short protein forms A171G.
Identifiers: ClinVar variation 548659 (VCV000548659.8), dbSNP rs373224783, ClinGen allele CA8255634.

ClinVar aggregate classification (germline): Uncertain significance. Review status: criteria provided, multiple submitters, no conflicts (2 of 4 stars). 4 submissions from 4 submitters: Uncertain significance (2). 2 of the submissions do not count toward it. Last evaluated 2024-10-23.

Conditions:
Tyrosinase-positive oculocutaneous albinism (OCA2). Also called: Albinism, oculocutaneous, type II; Oculocutaneous albinism type 2; ALBINISM II. Identifiers: Orphanet 79432, MedGen C0268495, MONDO:0008746, OMIM 203200.
Melanoma, cutaneous malignant, susceptibility to, 5. Also called: Cutaneous malignant melanoma 5. Identifiers: Orphanet 618, MedGen C2751295, MONDO:0013133, OMIM 613099.
Skin and Hair Hypopigmentation.

Allele frequency attached by ClinVar (database versions not stated): ESP Exome Variant Server 0.00015; 1000 Genomes Project 30x 0.00016; gnomAD 0.00019; TOPMed 0.00030.

Submissions (4):

Labcorp Genetics (formerly Invitae), Labcorp
Classification: Uncertain significance for Melanoma, cutaneous malignant, susceptibility to, 5. Last evaluated: 2024-10-23. Review status: criteria provided, single submitter. Criteria: Invitae Variant Classification Sherloc (09022015). Collection method: clinical testing. Allele origin: germline.
Comment: This sequence change replaces alanine, which is neutral and non-polar, with glycine, which is neutral and non-polar, at codon 171 of the MC1R protein (p.Ala171Gly). This variant is present in population databases (rs373224783, gnomAD 0.07%), and has an allele count higher than expected for a pathogenic variant. This missense change has been observed in individual(s) with melanoma and/or skin and hair hypopigmentation (PMID: 20876876, 26197705). ClinVar contains an entry for this variant (Variation ID: 548659). Invitae Evidence Modeling of protein sequence and biophysical properties (such as structural, functional, and spatial information, amino acid conservation, physicochemical variation, residue mobility, and thermodynamic stability) indicates that this missense variant is not expected to disrupt MC1R protein function with a negative predictive value of 80%. In summary, the available evidence is currently insufficient to determine the role of this variant in disease. Therefore, it has been classified as a Variant of Uncertain Significance.

Genomic Medicine Center of Excellence, King Faisal Specialist Hospital and Research Centre
Classification: Uncertain significance for Melanoma, cutaneous malignant, susceptibility to, 5. Last evaluated: 2024-04-04. Review status: criteria provided, single submitter. Criteria: ACMG Guidelines, 2015. Collection method: clinical testing. Allele origin: germline.

University of Washington Center for Mendelian Genomics, University of Washington
Classification: Likely pathogenic for Skin and Hair Hypopigmentation. Last evaluated: 2015-09-22. Review status: no assertion criteria provided. Collection method: research. Allele origin: unknown. Affected: yes. Not counted in ClinVar's aggregate classification.

Yale Center for Mendelian Genomics, Yale University
Classification: Likely pathogenic for Tyrosinase-positive oculocutaneous albinism. Last evaluated: 2015-09-22. Review status: no assertion criteria provided. Collection method: literature only. Allele origin: germline. Affected: yes. Observed: 6 homozygotes. Not counted in ClinVar's aggregate classification.

Literature cited by the submitters: PubMed 20876876 (cited by Labcorp Genetics (formerly Invitae), Labcorp); PubMed 26197705 (cited by 3 submitters).